The following is an entry in ClinVar:

NM_001171.6(ABCC6):c.3530T>C (p.Leu1177Pro)

Gene: ABCC6 (ATP binding cassette subfamily C member 6; minus strand). Cytogenetic location: 16p13.11.
Variant type: single nucleotide variant.
Coding change: c.3530T>C on transcript NM_001171.6 (MANE Select); coding-DNA position 3530, T replaced by C.
Protein change: p.Leu1177Pro; replaces leucine 1177 with proline.
Molecular consequence: missense variant. On other transcripts: non-coding transcript variant (4).
Genome position (GRCh38, 1-based): chr16:16,161,541, A>G on the plus strand (T>C on the coding strand, the complement: ABCC6 is on the minus strand). VCF-style: chr16-16161541-A-G. GRCh37 (hg19) VCF-style: chr16-16255398-A-G.
Other names: c.3188T>C, p.Leu1063Pro (NM_001351800.1); c.3497T>C, p.Leu1166Pro (NM_001440309.1); c.3362T>C, p.Leu1121Pro (NM_001440310.1); short protein forms L1121P, L1166P, L1177P, L1063P.
Identifiers: ClinVar variation 4694064 (VCV004694064.1).
Genomic context (GRCh38, chr16:16,161,541, plus strand): 5'-AGGTGGGCTTTGCTCAGCACAGCACACGTGGCAGCTGCAAACACCAGGCCATTCCCCAGG[A>G]GCTCCACATTGGCCGCAAGCCACCTGCAAAGGGAAGCGACAGCAGGGTGAGTGGTTACTC-3'
Protein context (NP_001162.5, residues 1167-1187): ADRWLAANVE[Leu1177Pro]LGNGLVFAAA

ClinVar aggregate classification (germline): Uncertain significance (1 of 4 stars; one submission).

gnomAD v4.1: 1 of 1,613,938 alleles (0.000062%); highest among the groups gnomAD compares: Non-Finnish European, 0.000085%; no homozygotes.

Submission:

Labcorp Genetics (formerly Invitae), Labcorp
Classification: Uncertain significance. Last evaluated: 2025-12-11. Review status: criteria provided, single submitter. Criteria: Invitae Variant Classification Sherloc (09022015). Collection method: clinical testing. Allele origin: germline.
Comment: This sequence change replaces leucine, which is neutral and non-polar, with proline, which is neutral and non-polar, at codon 1177 of the ABCC6 protein (p.Leu1177Pro). This variant is not present in population databases (gnomAD no frequency). This variant has not been reported in the literature in individuals affected with ABCC6-related conditions. Invitae Evidence Modeling of protein sequence and biophysical properties (such as structural, functional, and spatial information, amino acid conservation, physicochemical variation, residue mobility, and thermodynamic stability) indicates that this missense variant is expected to disrupt ABCC6 protein function with a positive predictive value of 95%. In summary, the available evidence is currently insufficient to determine the role of this variant in disease. Therefore, it has been classified as a Variant of Uncertain Significance.